The following is an entry in ClinVar:

ClinVar aggregate classification (germline): Benign/Likely benign. Review status: criteria provided, multiple submitters, no conflicts (2 of 4 stars). 4 submissions from 4 submitters: Benign (1); Likely benign (3). Last evaluated 2026-05-04.

Conditions:
Hereditary cancer-predisposing syndrome. Also called: Neoplastic Syndromes, Hereditary; Hereditary Cancer Syndrome; Tumor predisposition; Hereditary neoplastic syndrome. Identifiers: Orphanet 140162, MedGen C0027672, MeSH D009386, MONDO:0015356.
PTCH1-related disorder. Also called: PTCH1-related disorders; PTCH1-related condition.
Gorlin syndrome. Also called: Nevoid Basal Cell Carcinoma Syndrome; Basal cell nevus syndrome. Identifiers: Orphanet 377, MedGen C0004779, MONDO:0007187.

Allele frequency attached by ClinVar (database versions not stated): gnomAD 0.00001; gnomAD exomes 0.00001; TOPMed 0.00001; ExAC 0.00002.
gnomAD v4.1: 8 of 1,614,106 alleles (0.0005%); highest among the groups gnomAD compares: Admixed American, 0.0017%; no homozygotes.

Submissions (4):

PreventionGenetics, part of Exact Sciences
Classification: Likely benign for PTCH1-related condition. Last evaluated: 2026-05-04. Review status: criteria provided, single submitter. Criteria: ACMG Guidelines, 2015. Collection method: clinical testing. Allele origin: germline.
Comment: This variant is classified as likely benign based on ACMG/AMP sequence variant interpretation guidelines (Richards et al. 2015 PMID: 25741868, with internal and published modifications).

Labcorp Genetics (formerly Invitae), Labcorp
Classification: Benign for Gorlin syndrome. Last evaluated: 2025-12-17. Review status: criteria provided, single submitter. Criteria: Invitae Variant Classification Sherloc (09022015). Collection method: clinical testing. Allele origin: germline.

Center for Genomic Medicine, Rigshospitalet, Copenhagen University Hospital
Classification: Likely benign. Last evaluated: 2025-03-04. Review status: criteria provided, single submitter. Criteria: ACMG Guidelines, 2015. Collection method: clinical testing. Allele origin: germline.

Ambry Genetics
Classification: Likely benign for Hereditary cancer-predisposing syndrome. Last evaluated: 2020-03-18. Review status: criteria provided, single submitter. Criteria: Ambry Variant Classification Scheme 2023. Collection method: clinical testing. Allele origin: germline.

NM_000264.5(PTCH1):c.3156G>A (p.Thr1052=)

Gene: PTCH1 (patched 1; minus strand). Cytogenetic location: 9q22.32.
Variant type: single nucleotide variant.
Coding change: c.3156G>A on transcript NM_000264.5 (MANE Select); coding-DNA position 3156, G replaced by A.
Protein change: p.Thr1052=; no amino-acid change (threonine 1052 retained).
Molecular consequence: synonymous variant. On other transcripts: non-coding transcript variant (1).
Genome position (GRCh38, 1-based): chr9:95,458,025, C>T on the plus strand (G>A on the coding strand, the complement: PTCH1 is on the minus strand). VCF-style: chr9-95458025-C-T. GRCh37 (hg19) VCF-style: chr9-98220307-C-T.
Other names: c.2958G>A, p.Thr986= (NM_001083602.3); c.3153G>A, p.Thr1051= (NM_001083603.3); c.2703G>A, p.Thr901= (NM_001083604.3, NM_001083605.3, NM_001083606.3 and 1 more transcripts); c.3000G>A, p.Thr1000= (NM_001354918.2).
Identifiers: ClinVar variation 863614 (VCV000863614.12), dbSNP rs549164233, ClinGen allele CA5138247.